The following is an entry in ClinVar:

NM_000484.4(APP):c.58-3C>T

Gene: APP (amyloid beta precursor protein; minus strand). Cytogenetic location: 21q21.3.
Variant type: single nucleotide variant.
Coding change: c.58-3C>T on transcript NM_000484.4 (MANE Select); 3 bases into the intron before coding-DNA position 58, C replaced by T.
Molecular consequence: intron variant.
Genome position (GRCh38, 1-based): chr21:26,112,149, G>A on the plus strand (C>T on the coding strand, the complement: APP is on the minus strand). VCF-style: chr21-26112149-G-A. GRCh37 (hg19) VCF-style: chr21-27484466-G-A.
Other names: c.-48-3C>T (NM_001136131.3); c.58-22077C>T (NM_001136129.3, NM_001136130.3); c.58-3C>T (NM_001204303.2, NM_201414.3, NM_001385253.1 and 3 more transcripts); c.43-3C>T (NM_001136016.3).
Identifiers: ClinVar variation 2151655 (VCV002151655.4), dbSNP rs757989252, ClinGen allele CA9987757.
Genomic context (GRCh38, chr21:26,112,149, plus strand): 5'-CACAGAACATGGCAATCTGGGGTTCAGCCAGCAGGCCAGCATTACCATCAGTGGGTACCT[G>A]AAAGAAGAAGCTTCAGTTAGTTATAGTATCCATAGCTCCAAGGCAGAGGCTTGGAGGAAG-3'

ClinVar aggregate classification (germline): Uncertain significance (1 of 4 stars; one submission).

Conditions:
Alzheimer disease. Also called: Alzheimer's disease; Presenile and senile dementia. Identifiers: Orphanet 1020, MedGen C0002395, MeSH D000544, MONDO:0004975, HP:0002511.

Allele frequency attached by ClinVar (database versions not stated): gnomAD 0.00002; gnomAD exomes 0.00006; TOPMed 0.00007; ExAC 0.00015.
gnomAD v4.1: 42 of 1,613,662 alleles (0.0026%); highest among the groups gnomAD compares: Admixed American, 0.063%; no homozygotes.

Submission:

Labcorp Genetics (formerly Invitae), Labcorp
Classification: Uncertain significance for Alzheimer disease. Last evaluated: 2025-06-16. Review status: criteria provided, single submitter. Criteria: Invitae Variant Classification Sherloc (09022015). Collection method: clinical testing. Allele origin: germline.
Comment: This sequence change falls in intron 1 of the APP gene. It does not directly change the encoded amino acid sequence of the APP protein. It affects a nucleotide within the consensus splice site. This variant is present in population databases (rs757989252, gnomAD 0.07%), and has an allele count higher than expected for a pathogenic variant. This variant has not been reported in the literature in individuals affected with APP-related conditions. ClinVar contains an entry for this variant (Variation ID: 2151655). Variants that disrupt the consensus splice site are a relatively common cause of aberrant splicing (PMID: 17576681, 9536098). Algorithms developed to predict the effect of sequence changes on RNA splicing suggest that this variant is not likely to affect RNA splicing. In summary, the available evidence is currently insufficient to determine the role of this variant in disease. Therefore, it has been classified as a Variant of Uncertain Significance.

Literature cited by the submitters: PubMed 17576681; PubMed 9536098.